The following is an entry in ClinVar:

NM_000133.4(F9):c.138G>T (p.Arg46Ser)

Gene: F9 (coagulation factor IX; plus strand). Cytogenetic location: Xq27.1.
Variant type: single nucleotide variant.
Coding change: c.138G>T on transcript NM_000133.4 (MANE Select); coding-DNA position 138, G replaced by T.
Protein change: p.Arg46Ser; replaces arginine 46 with serine.
Molecular consequence: missense variant.
Genome position (GRCh38, 1-based): chrX:139,537,059, G>T. VCF-style: chrX-139537059-G-T. GRCh37 (hg19) VCF-style: chrX-138619218-G-T.
Other names: NM_001313913.2:c.138G>T; c.138G>T, p.Arg46Ser (NM_001313913.2); short protein forms R46S.
Identifiers: ClinVar variation 4849523 (VCV004849523.1).

ClinVar aggregate classification (germline): Pathogenic (3 of 4 stars; one submission).

Conditions:
Hereditary factor IX deficiency disease (HEMB). Also called: PLASMA THROMBOPLASTIN COMPONENT DEFICIENCY; Christmas Disease; Hemophilia B; F9 DEFICIENCY; FACTOR IX DEFICIENCY. Identifiers: Orphanet 98879, MedGen C0008533, MeSH D002836, MONDO:0010604, OMIM 306900.

Submission:

ClinGen Coagulation Factor Deficiency Variant Curation Expert Panel, Clingen
Classification: Pathogenic for Hereditary factor IX deficiency disease. Last evaluated: 2026-05-01. Review status: reviewed by expert panel. Criteria: ClinGen CoagFactor ACMG Specifications F9 V2.1.0. Collection method: curation. Allele origin: germline. Inheritance: X-linked inheritance.
Comment: The NM_000133.4(F9):c.138G>T; p.Arg46Ser is a possible cryptic splice variant predicted to cause substitution of arginine by serine at amino acid 46. The variant is completely absent from gnomAD v 4.1 meeting PM2_Supporting. RT-PCR experiments in BHK cells reveal that this variant has reduced the levels of normally spliced transcripts from 80% to <40% meeting PVS1_RNA_Strong (PMID: 26063760). At least 6 patients with severe to moderate hemophilia B/low FIX activity reported with the variant in the literature meeting criteria for PS4 and PP4_Moderate (PMID: 10698280, 27865967, 27529981, 35770352, 25251685). In summary, this variant meets criteria to be classified as pathogenic. ACMG/AMP criteria applied, as specified by the Coagulation Factor Deficiency Variant Curation Expert Panel for F9 v2.0.1: PVS1_RNA_Strong, PS4, PP4_Moderate, PM2_Supporting.